The following is an entry in ClinVar:

ClinVar aggregate classification (germline): Uncertain significance (1 of 4 stars; one submission).

Conditions:
Becker muscular dystrophy (BMD). Also called: MUSCULAR DYSTROPHY, PSEUDOHYPERTROPHIC PROGRESSIVE, BECKER TYPE; Becker Muscular Dystrophy (BMD). Identifiers: Orphanet 98895, MedGen C0917713, MONDO:0010311, OMIM 300376.

Submission:

MGZ Medical Genetics Center
Classification: Uncertain significance for Becker muscular dystrophy. Last evaluated: 2022-04-07. Review status: criteria provided, single submitter. Criteria: ACMG Guidelines, 2015. Collection method: clinical testing. Allele origin: germline. Affected: yes. Observed: 1 variant allele.
Comment: ACMG criteria applied: PM2_SUP

NM_004006.3(DMD):c.336_337delinsTT (p.Trp112_Asn113delinsCysTyr)

Gene: DMD (dystrophin; minus strand). Cytogenetic location: Xp21.1.
Variant type: Indel.
Coding change: c.336_337delinsTT on transcript NM_004006.3 (MANE Select); coding-DNA positions 336 to 337, GA replaced by TT.
Protein change: p.Trp112_Asn113delinsCysTyr.
Molecular consequence: missense variant. On other transcripts: 5 prime UTR variant (1).
Genome position (GRCh38, 1-based): chrX:32,823,315-32,823,316, TC replaced by AA on the plus strand (GA replaced by TT on the coding strand, the reverse complement: DMD is on the minus strand). VCF-style: chrX-32823315-TC-AA. GRCh37 (hg19) VCF-style: chrX-32841432-TC-AA.
Other names: c.312_313delinsTT, p.Trp104_Asn105delinsCysTyr (NM_000109.4); c.324_325delinsTT, p.Trp108_Asn109delinsCysTyr (NM_004009.3); c.-34_-33delinsTT (NM_004010.3).
Identifiers: ClinVar variation 1709351 (VCV001709351.2), dbSNP rs2524458085, ClinGen allele CA2580100771.